The following is an entry in ClinVar:

NM_002439.5(MSH3):c.1763+1G>C

Gene: MSH3 (mutS homolog 3; plus strand). Cytogenetic location: 5q14.1.
Variant type: single nucleotide variant.
Coding change: c.1763+1G>C on transcript NM_002439.5 (MANE Select); the canonical splice donor site of the intron after coding-DNA position 1763, G replaced by C.
Molecular consequence: splice donor variant.
Genome position (GRCh38, 1-based): chr5:80,744,616, G>C. VCF-style: chr5-80744616-G-C. GRCh37 (hg19) VCF-style: chr5-80040435-G-C.
Identifiers: ClinVar variation 4071039 (VCV004071039.1).
Genomic context (GRCh38, chr5:80,744,616, plus strand): 5'-AACTTCATTTGGGAGACGGAAGTTAAAGAAGTGGGTGACCCAGCCACTCCTTAAATTAAG[G>C]TAAAAGGAATTCTTTTTGGGGTGTTTAATCTGAAATTATAAAATTTTGAAATTAAAGGCA-3'

ClinVar aggregate classification (germline): Likely pathogenic (1 of 4 stars; one submission).

Conditions:
Familial adenomatous polyposis 4 (FAP4). Also called: MSH3-related attenuated familial adenomatous polyposis. Identifiers: Orphanet 480536, MedGen C4310719, MONDO:0044300, OMIM 617100.

Submission:

Myriad Genetics, Inc.
Classification: Likely pathogenic for Familial adenomatous polyposis 4. Last evaluated: 2025-05-13. Review status: criteria provided, single submitter. Criteria: Myriad Autosomal Dominant, Autosomal Recessive and X-Linked Classification Criteria (2023). Collection method: clinical testing. Allele origin: unknown.
Comment: This variant is considered likely pathogenic. This variant occurs within a consensus splice junction and is predicted to result in abnormal mRNA splicing of either an out-of-frame exon or an in-frame exon necessary for protein stability and/or normal function.